The following is an entry in ClinVar:

NM_005505.5(SCARB1):c.284+3G>A

Gene: SCARB1 (scavenger receptor class B member 1; minus strand). Cytogenetic location: 12q24.31.
Variant type: single nucleotide variant.
Coding change: c.284+3G>A on transcript NM_005505.5 (MANE Select); 3 bases into the intron after coding-DNA position 284, G replaced by A.
Molecular consequence: intron variant.
Genome position (GRCh38, 1-based): chr12:124,817,547, C>T on the plus strand (G>A on the coding strand, the complement: SCARB1 is on the minus strand). VCF-style: chr12-124817547-C-T. GRCh37 (hg19) VCF-style: chr12-125302093-C-T.
Other names: c.284+3G>A (NM_001367988.1, NM_001367985.1, NM_001367987.1 and 6 more transcripts); c.161+3G>A (NM_001367982.1).
Identifiers: ClinVar variation 3699391 (VCV003699391.2).

ClinVar aggregate classification (germline): Uncertain significance (1 of 4 stars; one submission).

gnomAD v4.1: 5 of 1,613,608 alleles (0.00031%); highest among the groups gnomAD compares: African/African-American, 0.0013%; no homozygotes.

Submission:

Labcorp Genetics (formerly Invitae), Labcorp
Classification: Uncertain significance. Last evaluated: 2024-08-28. Review status: criteria provided, single submitter. Criteria: Invitae Variant Classification Sherloc (09022015). Collection method: clinical testing. Allele origin: germline.
Comment: This sequence change falls in intron 2 of the SCARB1 gene. It does not directly change the encoded amino acid sequence of the SCARB1 protein. It affects a nucleotide within the consensus splice site. The frequency data for this variant in the population databases is considered unreliable, as metrics indicate poor data quality at this position in the gnomAD database. This variant has not been reported in the literature in individuals affected with SCARB1-related conditions. Variants that disrupt the consensus splice site are a relatively common cause of aberrant splicing (PMID: 17576681, 9536098). Algorithms developed to predict the effect of sequence changes on RNA splicing suggest that this variant is not likely to affect RNA splicing. In summary, the available evidence is currently insufficient to determine the role of this variant in disease. Therefore, it has been classified as a Variant of Uncertain Significance.

Literature cited by the submitters: PubMed 17576681; PubMed 9536098.